The following is an entry in ClinVar:

NM_015570.4(AUTS2):c.581C>T (p.Ser194Phe)

Gene: AUTS2 (activator of transcription and developmental regulator AUTS2; plus strand). Cytogenetic location: 7q11.22.
Variant type: single nucleotide variant.
Coding change: c.581C>T on transcript NM_015570.4 (MANE Select); coding-DNA position 581, C replaced by T.
Protein change: p.Ser194Phe; replaces serine 194 with phenylalanine.
Molecular consequence: missense variant.
Genome position (GRCh38, 1-based): chr7:70,118,190, C>T. VCF-style: chr7-70118190-C-T. GRCh37 (hg19) VCF-style: chr7-69583176-C-T.
Other names: c.581C>T, p.Ser194Phe (NM_001127231.3, NM_001127232.3); short protein forms S194F.
Identifiers: ClinVar variation 425412 (VCV000425412.52), dbSNP rs150765660, ClinGen allele CA4280349.

ClinVar aggregate classification (germline): Benign/Likely benign. Review status: criteria provided, multiple submitters, no conflicts (2 of 4 stars). 6 submissions from 6 submitters: Benign (2); Likely benign (1). 3 of the submissions do not count toward it. Last evaluated 2026-04-01.

Allele frequency attached by ClinVar (database versions not stated): 1000 Genomes Project 30x 0.00016; 1000 Genomes Project 0.00020; gnomAD exomes 0.00023; ExAC 0.00028; TOPMed 0.00029; gnomAD 0.00031 and 0.00033; ESP Exome Variant Server 0.00038.
gnomAD v4.1: 561 of 1,609,386 alleles (0.035%); highest among the groups gnomAD compares: Non-Finnish European, 0.044%; 1 homozygote.

Submissions (6):

CeGaT Center for Human Genetics Tuebingen
Classification: Benign. Last evaluated: 2026-04-01. Review status: criteria provided, single submitter. Criteria: CeGaT Center For Human Genetics Tuebingen Variant Classification Criteria Version 2. Collection method: clinical testing. Allele origin: germline. Affected: yes. Observed: 1 variant allele.
Comment: AUTS2: BS1, BS2

Labcorp Genetics (formerly Invitae), Labcorp
Classification: Benign. Last evaluated: 2025-11-05. Review status: criteria provided, single submitter. Criteria: Invitae Variant Classification Sherloc (09022015). Collection method: clinical testing. Allele origin: germline.

GeneDx
Classification: Likely benign. Last evaluated: 2020-11-13. Review status: criteria provided, single submitter. Criteria: GeneDx Variant Classification Process June 2021. Collection method: clinical testing. Allele origin: germline. Affected: yes.

Clinical Genetics DNA and cytogenetics Diagnostics Lab, Erasmus MC, Erasmus Medical Center
Classification: Uncertain significance. Review status: no assertion criteria provided. Collection method: clinical testing. Allele origin: germline. Affected: yes. Study: VKGL Data-share Consensus. Not counted in ClinVar's aggregate classification.

Genome Diagnostics Laboratory, University Medical Center Utrecht
Classification: Uncertain significance. Review status: no assertion criteria provided. Collection method: clinical testing. Allele origin: germline. Affected: yes. Study: VKGL Data-share Consensus. Not counted in ClinVar's aggregate classification.

Joint Genome Diagnostic Labs from Nijmegen and Maastricht, Radboudumc and MUMC+
Classification: Uncertain significance. Review status: no assertion criteria provided. Collection method: clinical testing. Allele origin: germline. Affected: yes. Study: VKGL Data-share Consensus. Not counted in ClinVar's aggregate classification.